The following is an entry in ClinVar:

NM_001034853.2(RPGR):c.2633_2640delinsAAGAAGGGGAGGAAGGAGAAGGGGAGGGGGAAGAGGAGGAAGGAGAAGGGGAGGGAGAA (p.Gly878_Glu879delinsGluGluGlyGluGluGlyGluGlyGluGlyGluGluGluGluGlyGluGlyGluGly)

Gene: RPGR (retinitis pigmentosa GTPase regulator; minus strand). Cytogenetic location: Xp11.4.
Variant type: Indel.
Coding change: c.2633_2640delinsAAGAAGGGGAGGAAGGAGAAGGGGAGGGGGAAGAGGAGGAAGGAGAAGGGGAGGGAGAA on transcript NM_001034853.2 (MANE Select); coding-DNA positions 2633 to 2640, the reference bases replaced by an inserted sequence.
Protein change: p.Gly878_Glu879delinsGluGluGlyGluGluGlyGluGlyGluGlyGluGluGluGluGlyGluGlyGluGly.
Molecular consequence: inframe indel. On other transcripts: intron variant (8).
Genome position (GRCh38, 1-based): chrX:38,286,359-38,286,366, 8 bases replaced. GRCh37 (hg19): chrX:38,145,612-38,145,619.
Other names: c.1569+4593_1569+4600delinsAAGAAGGGGAGGAAGGAGAAGGGGAGGGGGAAGAGGAGGAAGGAGAAGGGGAGGGAGAA (NM_001367249.1, NM_001367250.1); c.1902+728_1902+735delinsAAGAAGGGGAGGAAGGAGAAGGGGAGGGGGAAGAGGAGGAAGGAGAAGGGGAGGGAGAA (NM_001367245.1); c.1386+4593_1386+4600delinsAAGAAGGGGAGGAAGGAGAAGGGGAGGGGGAAGAGGAGGAAGGAGAAGGGGAGGGAGAA (NM_001367251.1); c.1719+728_1719+735delinsAAGAAGGGGAGGAAGGAGAAGGGGAGGGGGAAGAGGAGGAAGGAGAAGGGGAGGGAGAA (NM_001367246.1); c.1572+4593_1572+4600delinsAAGAAGGGGAGGAAGGAGAAGGGGAGGGGGAAGAGGAGGAAGGAGAAGGGGAGGGAGAA (NM_001367247.1); c.1905+728_1905+735delinsAAGAAGGGGAGGAAGGAGAAGGGGAGGGGGAAGAGGAGGAAGGAGAAGGGGAGGGAGAA (NM_000328.3); c.1602+4593_1602+4600delinsAAGAAGGGGAGGAAGGAGAAGGGGAGGGGGAAGAGGAGGAAGGAGAAGGGGAGGGAGAA (NM_001367248.1).
Identifiers: ClinVar variation 2082314 (VCV002082314.4), dbSNP rs2519788681, ClinGen allele CA2580100891.

ClinVar aggregate classification (germline): Uncertain significance (1 of 4 stars; one submission).

Conditions:
Primary ciliary dyskinesia. Also called: Ciliary dyskinesia. Identifiers: Orphanet 244, MedGen C0008780, MONDO:0016575, HP:0012265.

Submission:

Labcorp Genetics (formerly Invitae), Labcorp
Classification: Uncertain significance for Primary ciliary dyskinesia. Last evaluated: 2022-07-12. Review status: criteria provided, single submitter. Criteria: Invitae Variant Classification Sherloc (09022015). Collection method: clinical testing. Allele origin: germline.
Comment: In summary, the available evidence is currently insufficient to determine the role of this variant in disease. Therefore, it has been classified as a Variant of Uncertain Significance. Experimental studies and prediction algorithms are not available or were not evaluated, and the functional significance of this variant is currently unknown. This variant has not been reported in the literature in individuals affected with RPGR (ORF15)-related conditions. This variant is not present in population databases (gnomAD no frequency). This variant, c.2633_2640delins59, is a complex sequence change that results in the deletion of 2 and insertion of 19 amino acid(s) in the RPGR (ORF15) protein (p.Gly878_Glu879delins19).